The following is an entry in ClinVar:

NM_002693.3(POLG):c.3105-16_3105-15del

Gene: POLG (DNA polymerase gamma, catalytic subunit; minus strand). Cytogenetic location: 15q26.1.
Variant type: Deletion.
Coding change: c.3105-16_3105-15del on transcript NM_002693.3 (MANE Select); 16 bases into the intron before coding-DNA position 3105 through 15 bases into the intron before coding-DNA position 3105, 2 bases deleted (GT; older notation c.3105-16_3105-15delGT).
Molecular consequence: intron variant.
Genome position (GRCh38, 1-based): chr15:89,319,114-89,319,115, AC deleted on the plus strand (GT on the coding strand, the reverse complement: POLG is on the minus strand); deleting any 2 consecutive bases within chr15:89,319,114-89,319,116 gives the same sequence; the c. name uses the placement nearest the transcript's 3' end. VCF-style (leftmost placement, unchanged base first): chr15-89319113-AAC-A. GRCh37 (hg19) VCF-style: chr15-89862344-AAC-A.
Other names: c.3105-16_3105-15del (NM_001126131.2, NM_002693.2).
Identifiers: ClinVar variation 206472 (VCV000206472.13), dbSNP rs146915033, ClinGen allele CA316599.
Genomic context (GRCh38, chr15:89,319,113, plus strand): 5'-CCTTCCATGCCCGTTCAGCAACCACCTCCCACTTCTTCCACTGTGACCTAAGGGACCAGA[AAC>A]AGAGGGCAGACTTTGTCTTTCAGCATCTCAAAGCTAAAAAACAAAGCATCCAAGCTCTTC-3'

ClinVar aggregate classification (germline): Benign/Likely benign. Review status: criteria provided, multiple submitters, no conflicts (2 of 4 stars). 5 submissions from 4 submitters: Benign (3); Likely benign (1). 1 of the submissions does not count toward it. Last evaluated 2026-02-03.

Conditions:
Progressive sclerosing poliodystrophy (MTDPS4A). Also called: Alpers-Huttenlocher Syndrome; Mitochondrial DNA Depletion Syndrome 4A; ALPERS PROGRESSIVE INFANTILE POLIODYSTROPHY; ALPERS DIFFUSE DEGENERATION OF CEREBRAL GRAY MATTER WITH HEPATIC CIRRHOSIS; Alpers Syndrome; Alpers-Huttenlocher Syndrome (AHS). Identifiers: Orphanet 726, MedGen C0205710, MONDO:0008758, OMIM 203700.

Submissions (5):

Labcorp Genetics (formerly Invitae), Labcorp
Classification: Benign for Progressive sclerosing poliodystrophy. Last evaluated: 2026-02-03. Review status: criteria provided, single submitter. Criteria: Invitae Variant Classification Sherloc (09022015). Collection method: clinical testing. Allele origin: germline.

Blueprint Genetics
Classification: Likely benign. Last evaluated: 2024-11-06. Review status: criteria provided, single submitter. Criteria: ACMG Guidelines, 2015. Collection method: clinical testing. Allele origin: germline.

Athena Diagnostics
Classification: Benign. Last evaluated: 2020-04-15. Review status: criteria provided, single submitter. Criteria: Athena Diagnostics Criteria. Collection method: clinical testing. Allele origin: unknown.

GeneDx
Classification: Benign. Last evaluated: 2015-03-03. Review status: criteria provided, single submitter. Criteria: GeneDx Variant Classification Process June 2021. Collection method: clinical testing. Allele origin: germline. Affected: yes.

GeneDx
Classification: Benign. Last evaluated: 2013-04-16. Review status: flagged submission. Criteria: GeneDx Variant Classification (06012015). Collection method: clinical testing. Allele origin: germline. Affected: yes. Not counted in ClinVar's aggregate classification.
Comment: The variant is found in EPILEPSY,INFANT-EPI,CHILD-EPI panel(s).
ClinVar note: Reason: This record appears to be redundant with a more recent record from the same submitter.
ClinVar note: Notes: SCV000242135 appears to be redundant with SCV001901716.